The following is an entry in ClinVar:

ClinVar aggregate classification (germline): Uncertain significance (1 of 4 stars; one submission).

Conditions:
Progressive sclerosing poliodystrophy (MTDPS4A). Also called: ALPERS PROGRESSIVE INFANTILE POLIODYSTROPHY; NEURONAL DEGENERATION OF CHILDHOOD WITH LIVER DISEASE, PROGRESSIVE; Alpers Syndrome; ALPERS DIFFUSE DEGENERATION OF CEREBRAL GRAY MATTER WITH HEPATIC CIRRHOSIS; Alpers-Huttenlocher Syndrome; Mitochondrial DNA depletion syndrome 4A (Alpers type). Identifiers: Orphanet 726, MedGen C0205710, MONDO:0008758, OMIM 203700.

Submission:

Labcorp Genetics (formerly Invitae), Labcorp
Classification: Uncertain significance for Progressive sclerosing poliodystrophy. Last evaluated: 2023-07-31. Review status: criteria provided, single submitter. Criteria: Invitae Variant Classification Sherloc (09022015). Collection method: clinical testing. Allele origin: germline.
Comment: In summary, the available evidence is currently insufficient to determine the role of this variant in disease. Therefore, it has been classified as a Variant of Uncertain Significance. Advanced modeling of protein sequence and biophysical properties (such as structural, functional, and spatial information, amino acid conservation, physicochemical variation, residue mobility, and thermodynamic stability) performed at Invitae indicates that this missense variant is expected to disrupt POLG protein function. This sequence change replaces serine, which is neutral and polar, with glycine, which is neutral and non-polar, at codon 225 of the POLG protein (p.Ser225Gly). This variant is not present in population databases (gnomAD no frequency). This variant has not been reported in the literature in individuals affected with POLG-related conditions.

NM_002693.3(POLG):c.673A>G (p.Ser225Gly)

Genes: POLG (DNA polymerase gamma, catalytic subunit; minus strand), POLGARF (POLG alternative reading frame; minus strand). Cytogenetic location: 15q26.1.
Variant type: single nucleotide variant.
Coding change: c.673A>G on transcript NM_002693.3 (MANE Select); coding-DNA position 673, A replaced by G.
Protein change: p.Ser225Gly; replaces serine 225 with glycine.
Molecular consequence: missense variant.
Genome position (GRCh38, 1-based): chr15:89,330,263, T>C on the plus strand (A>G on the coding strand, the complement: POLG is on the minus strand). VCF-style: chr15-89330263-T-C. GRCh37 (hg19) VCF-style: chr15-89873494-T-C.
Other names: c.673A>G, p.Ser225Gly (NM_001126131.2); short protein forms S225G.
Identifiers: ClinVar variation 2727665 (VCV002727665.3), dbSNP rs2509266015, ClinGen allele CA393767291.
Genomic context (GRCh38, chr15:89,330,263, plus strand): 5'-TGAGGTCAGCCGGCGACAGCTGGCTGGTCCAAGAGTAACGCTCTTCCACCAGCCGCTGGC[T>C]GCACCAGGAATACCTGAGGGAGGTGAGAGGCAGGCAGGTTCACCATGGAGACATTAAACT-3'
Protein context (NP_002684.1, residues 215-235): ISPSAWYSWC[Ser225Gly]QRLVEERYSW